The following is an entry in ClinVar:

NM_002878.4(RAD51D):c.59T>G (p.Leu20Arg)

Genes: RAD51D (RAD51 paralog D; minus strand), RAD51L3-RFFL (RAD51L3-RFFL readthrough; minus strand). Cytogenetic location: 17q12.
Variant type: single nucleotide variant.
Coding change: c.59T>G on transcript NM_002878.4 (MANE Select); coding-DNA position 59, T replaced by G.
Protein change: p.Leu20Arg; replaces leucine 20 with arginine.
Molecular consequence: missense variant. On other transcripts: non-coding transcript variant (2).
Genome position (GRCh38, 1-based): chr17:35,119,555, A>C on the plus strand (T>G on the coding strand, the complement: RAD51D is on the minus strand). VCF-style: chr17-35119555-A-C. GRCh37 (hg19) VCF-style: chr17-33446574-A-C.
Other names: c.59T>G, p.Leu20Arg (NM_001142571.2, NM_133629.3); short protein forms L20R.
Identifiers: ClinVar variation 472613 (VCV000472613.8), dbSNP rs1555570486, ClinGen allele CA399092362.
Genomic context (GRCh38, chr17:35,119,555, plus strand): 5'-GCCCGCGCGGCTCCCTGGCACGCGCACACCCGGTCACCTGTCTTGATCCTGTGGCTCCTG[A>C]GAAGCTGGATCATCTCCTCGGTAAGGCCAGGGCACAGTCCGACCCTGAGCACGCCCATGT-3'
Protein context (NP_002869.3, residues 10-30): PGLTEEMIQL[Leu20Arg]RSHRIKTVVD

ClinVar aggregate classification (germline): Uncertain significance (1 of 4 stars; one submission).

Conditions:
Breast-ovarian cancer, familial, susceptibility to, 4. Identifiers: Orphanet 145, MedGen C3280345, MONDO:0013669, OMIM 614291.

Submission:

Labcorp Genetics (formerly Invitae), Labcorp
Classification: Uncertain significance for Breast-ovarian cancer, familial, susceptibility to, 4. Last evaluated: 2023-03-18. Review status: criteria provided, single submitter. Criteria: Invitae Variant Classification Sherloc (09022015). Collection method: clinical testing. Allele origin: germline.
Comment: This sequence change replaces leucine, which is neutral and non-polar, with arginine, which is basic and polar, at codon 20 of the RAD51D protein (p.Leu20Arg). This variant is not present in population databases (gnomAD no frequency). This variant has not been reported in the literature in individuals affected with RAD51D-related conditions. ClinVar contains an entry for this variant (Variation ID: 472613). An algorithm developed to predict the effect of missense changes on protein structure and function (PolyPhen-2) suggests that this variant is likely to be disruptive. In summary, the available evidence is currently insufficient to determine the role of this variant in disease. Therefore, it has been classified as a Variant of Uncertain Significance.